The following is an entry in ClinVar:

ClinVar aggregate classification (germline): Uncertain significance. Review status: criteria provided, multiple submitters, no conflicts (2 of 4 stars). 3 submissions from 3 submitters: Uncertain significance (2). 1 of the submissions does not count toward it. Last evaluated 2024-05-30.

Conditions:
TTC8-related disorder. Also called: TTC8-related condition.

Allele frequency attached by ClinVar (database versions not stated): ExAC 0.00002; TOPMed 0.00005; gnomAD 0.00006.
gnomAD v4.1: 53 of 1,441,770 alleles (0.0037%); highest among the groups gnomAD compares: Admixed American, 0.0067%; no homozygotes.

Submissions (3):

Blueprint Genetics
Classification: Uncertain significance. Last evaluated: 2024-05-30. Review status: criteria provided, single submitter. Criteria: ACMG Guidelines, 2015. Collection method: clinical testing. Allele origin: germline.

ARUP Laboratories, Molecular Genetics and Genomics, ARUP Laboratories
Classification: Uncertain significance. Last evaluated: 2019-03-18. Review status: criteria provided, single submitter. Criteria: ARUP Molecular Germline Variant Investigation Process. Collection method: clinical testing. Allele origin: germline.
Comment: The TTC8 c.579+44G>A variant (rs537295982), also known as c.30+1G>A in transcript NM_001288782.1, to our knowledge, is not reported in the medical literature or gene-specific databases. This variant is found in the general population with an overall allele frequency of 0.004% (11/279676 alleles) in the Genome Aggregation Database. In transcript NM_001288782.1, this variant abolishes the canonical splice donor site of intron 6; however, it is unknown if this transcript is produced in retinal tissues or if it is clinically relevant to retinitis pigmentosa. Due to limited information, the clinical significance of this variant is uncertain at this time.

PreventionGenetics, part of Exact Sciences
Classification: Uncertain significance for TTC8-related condition. Last evaluated: 2024-08-05. Review status: no assertion criteria provided. Collection method: clinical testing. Allele origin: germline. Not counted in ClinVar's aggregate classification.
Comment: The TTC8 c.30+1G>A variant is predicted to disrupt the GT donor site and interfere with normal splicing. However, this variant affects the intron sequence of the most expressed transcript. This variant is also known as c.549+44G>A using the HGMD reportable transcript (NM_198309.3). To our knowledge, this variant has not been reported in the literature. This variant is reported in 0.0066% of alleles in individuals of South Asian descent in gnomAD. At this time, the clinical significance of this variant is uncertain due to the absence of conclusive functional and genetic evidence.

NM_144596.4(TTC8):c.579+44G>A

Gene: TTC8 (tetratricopeptide repeat domain 8; plus strand). Cytogenetic location: 14q31.3.
Variant type: single nucleotide variant.
Coding change: c.579+44G>A on transcript NM_144596.4 (MANE Select); 44 bases into the intron after coding-DNA position 579, G replaced by A.
Molecular consequence: intron variant. On other transcripts: splice donor variant (1).
Genome position (GRCh38, 1-based): chr14:88,841,558, G>A. VCF-style: chr14-88841558-G-A. GRCh37 (hg19) VCF-style: chr14-89307902-G-A.
Other names: c.30+1G>A (NM_001288782.1); c.549+44G>A (NM_001288781.1, NM_198309.3, NM_001366535.2); c.-199+362G>A (NM_001288783.1); c.459+362G>A (NM_198310.3, NM_001366536.2).
Identifiers: ClinVar variation 811935 (VCV000811935.10), dbSNP rs537295982, ClinGen allele CA7302516.